The following is an entry in ClinVar:

NM_033510.3(DISP2):c.1370C>T (p.Ala457Val)

Gene: DISP2 (dispatched RND transporter family member 2; plus strand). Cytogenetic location: 15q15.1.
Variant type: single nucleotide variant.
Coding change: c.1370C>T on transcript NM_033510.3 (MANE Select); coding-DNA position 1370, C replaced by T.
Protein change: p.Ala457Val; replaces alanine 457 with valine.
Molecular consequence: missense variant.
Genome position (GRCh38, 1-based): chr15:40,367,482, C>T. VCF-style: chr15-40367482-C-T. GRCh37 (hg19) VCF-style: chr15-40659683-C-T.
Other names: c.1370C>T (NM_033510.1); short protein forms A457V.
Identifiers: ClinVar variation 2645170 (VCV002645170.25), dbSNP rs377372901, ClinGen allele CA7479389.

ClinVar aggregate classification (germline): Conflicting classifications of pathogenicity. Review status: criteria provided, conflicting classifications (1 of 4 stars). 2 submissions from 2 submitters: Uncertain significance (1); Likely benign (1). Last evaluated 2024-03-19.

Allele frequency attached by ClinVar (database versions not stated): ExAC 0.00001; gnomAD exomes 0.00003; TOPMed 0.00005; gnomAD 0.00007.

Submissions (2):

Ambry Genetics
Classification: Uncertain significance. Last evaluated: 2024-03-19. Review status: criteria provided, single submitter. Criteria: Ambry Variant Classification Scheme 2023. Collection method: clinical testing. Allele origin: germline.

CeGaT Center for Human Genetics Tuebingen
Classification: Likely benign. Last evaluated: 2022-06-01. Review status: criteria provided, single submitter. Criteria: CeGaT Center For Human Genetics Tuebingen Variant Classification Criteria Version 2. Collection method: clinical testing. Allele origin: germline. Affected: yes. Observed: 1 variant allele.
Comment: DISP2: BP4